The following is an entry in ClinVar:

ClinVar aggregate classification (germline): Uncertain significance. Review status: criteria provided, multiple submitters, no conflicts (2 of 4 stars). 3 submissions from 3 submitters: Uncertain significance (3). Last evaluated 2026-05-05.

Conditions:
UGT1A9-related disorder. Also called: UGT1A9-related condition.

Allele frequency attached by ClinVar (database versions not stated): gnomAD 0.00006; gnomAD exomes 0.00009 and 0.00019; ExAC 0.00013; TOPMed 0.00013.
gnomAD v4.1: 65 of 1,614,160 alleles (0.004%); highest among the groups gnomAD compares: Admixed American, 0.1%; no homozygotes.

Submissions (3):

PreventionGenetics, part of Exact Sciences
Classification: Uncertain significance for UGT1A9-related condition. Last evaluated: 2026-05-05. Review status: criteria provided, single submitter. Criteria: ACMG Guidelines, 2015. Collection method: clinical testing. Allele origin: germline.
Comment: The UGT1A9 c.1076G>T variant is predicted to result in the amino acid substitution p.Gly359Val. This variant has been reported in the heterozygous state in an individual with hyperbilirubinemia (Skierka et al. 2013. PubMed ID: 23290513). This variant is reported in 0.14% of alleles in individuals of Latino descent in gnomAD. At this time, the clinical significance of this variant is uncertain due to the absence of conclusive functional and genetic evidence.

Labcorp Genetics (formerly Invitae), Labcorp
Classification: Uncertain significance. Last evaluated: 2025-08-09. Review status: criteria provided, single submitter. Criteria: Invitae Variant Classification Sherloc (09022015). Collection method: clinical testing. Allele origin: germline.
Comment: This sequence change replaces glycine, which is neutral and non-polar, with valine, which is neutral and non-polar, at codon 362 of the UGT1A1 protein (p.Gly362Val). This variant is present in population databases (rs752968297, gnomAD 0.1%). This missense change has been observed in individual(s) with hyperbilirubinemia (PMID: 23290513). ClinVar contains an entry for this variant (Variation ID: 497628). An algorithm developed to predict the effect of missense changes on protein structure and function (PolyPhen-2) suggests that this variant is likely to be disruptive. Algorithms developed to predict the effect of sequence changes on RNA splicing suggest that this variant may create or strengthen a splice site. In summary, the available evidence is currently insufficient to determine the role of this variant in disease. Therefore, it has been classified as a Variant of Uncertain Significance.

Eurofins Ntd Llc (ga)
Classification: Uncertain significance. Last evaluated: 2017-10-05. Review status: criteria provided, single submitter. Criteria: EGL Classification Definitions 2015. Collection method: clinical testing. Allele origin: germline. Observed: 2 variant alleles, 2 heterozygotes.

Literature cited by the submitters: PubMed 23290513 (cited by Labcorp Genetics (formerly Invitae), Labcorp).

NM_000463.3(UGT1A1):c.1085G>T (p.Gly362Val)

Genes: UGT1A1 (UDP glucuronosyltransferase family 1 member A1; plus strand), UGT1A10 (UDP glucuronosyltransferase family 1 member A10; plus strand), UGT1A9 (UDP glucuronosyltransferase family 1 member A9; plus strand), UGT1A7 (UDP glucuronosyltransferase family 1 member A7; plus strand), UGT1A8 (UDP glucuronosyltransferase family 1 member A8; plus strand) and 5 more. Cytogenetic location: 2q37.1.
Variant type: single nucleotide variant.
Coding change: c.1085G>T on transcript NM_000463.3 (MANE Select); coding-DNA position 1085, G replaced by T.
Protein change: p.Gly362Val; replaces glycine 362 with valine.
Molecular consequence: missense variant.
Genome position (GRCh38, 1-based): chr2:233,768,220, G>T. VCF-style: chr2-233768220-G-T. GRCh37 (hg19) VCF-style: chr2-234676866-G-T.
Other names: c.1076G>T, p.Gly359Val (NM_019075.4, NM_019076.5, NM_019077.3 and 1 more transcripts); c.1082G>T, p.Gly361Val (NM_001072.4); c.281G>T, p.Gly94Val (NM_205862.3); c.1088G>T, p.Gly363Val (NM_019078.2, NM_007120.3, NM_019093.4); short protein forms G362V, G361V, G94V, G363V, G359V.
Identifiers: ClinVar variation 497628 (VCV000497628.13), dbSNP rs752968297, ClinGen allele CA2180005.